The following is an entry in ClinVar:

ClinVar aggregate classification (germline): Likely pathogenic. Review status: criteria provided, multiple submitters, no conflicts (2 of 4 stars). 2 submissions from 2 submitters: Likely pathogenic (2). Last evaluated 2025-07-20.

Conditions:
Dilated cardiomyopathy 1G (CMD1G). Identifiers: Orphanet 154, MedGen C1858763, MONDO:0011400, OMIM 604145.
Autosomal recessive limb-girdle muscular dystrophy type 2J (LGMDR10). Also called: MUSCULAR DYSTROPHY, LIMB-GIRDLE, AUTOSOMAL RECESSIVE 10; Limb-girdle muscular dystrophy, type 2J. Identifiers: Orphanet 140922, MedGen C1837342, MONDO:0012127, OMIM 608807.
Primary dilated cardiomyopathy (DCM). Also called: Dilated Cardiomyopathy. Identifiers: Orphanet 217604, MedGen C0007193, MeSH D002311, MONDO:0005021, HP:0001644. Inheritance: Various modes of inheritance.

Submissions (2):

Labcorp Genetics (formerly Invitae), Labcorp
Classification: Likely pathogenic for Dilated cardiomyopathy 1G; Autosomal recessive limb-girdle muscular dystrophy type 2J. Last evaluated: 2025-07-20. Review status: criteria provided, single submitter. Criteria: Invitae Variant Classification Sherloc (09022015). Collection method: clinical testing. Allele origin: germline.
Comment: This sequence change creates a premature translational stop signal (p.Glu22913*) in the TTN gene. While this is not anticipated to result in nonsense mediated decay, it is expected to create a truncated TTN protein. This variant is not present in population databases (gnomAD no frequency). This variant has not been reported in the literature in individuals affected with TTN-related conditions. ClinVar contains an entry for this variant (Variation ID: 1809790). This variant is located in the A band of TTN (PMID: 25589632). Truncating variants in this region are significantly overrepresented in patients affected with dilated cardiomyopathy (PMID: 25589632). Truncating variants in this region have also been reported in individuals affected with autosomal recessive centronuclear myopathy (PMID: 23975875). In summary, the currently available evidence indicates that the variant is pathogenic, but additional data are needed to prove that conclusively. Therefore, this variant has been classified as Likely Pathogenic.

Center for Human Genetics, University of Leuven
Classification: Likely pathogenic for Primary dilated cardiomyopathy. Last evaluated: 2022-12-31. Review status: criteria provided, single submitter. Criteria: ACMG Guidelines, 2015. Collection method: clinical testing. Allele origin: germline. Affected: yes.

Literature cited by the submitters: PubMed 25589632 (cited by Labcorp Genetics (formerly Invitae), Labcorp); PubMed 23975875 (cited by Labcorp Genetics (formerly Invitae), Labcorp).

NM_001267550.2(TTN):c.68737G>T (p.Glu22913Ter)

Genes: TTN-AS1 (TTN antisense RNA 1; plus strand), TTN (titin; minus strand). Cytogenetic location: 2q31.2.
Variant type: single nucleotide variant.
Coding change: c.68737G>T on transcript NM_001267550.2 (MANE Select); coding-DNA position 68737, G replaced by T.
Protein change: p.Glu22913Ter; replaces glutamic acid 22913 with a stop codon.
Molecular consequence: nonsense.
Genome position (GRCh38, 1-based): chr2:178,577,689, C>A on the plus strand (G>T on the coding strand, the complement: TTN is on the minus strand). VCF-style: chr2-178577689-C-A. GRCh37 (hg19) VCF-style: chr2-179442416-C-A.
Other names: c.63814G>T, p.Glu21272Ter (NM_001256850.1); c.41542G>T, p.Glu13848Ter (NM_003319.4); c.61033G>T, p.Glu20345Ter (NM_133378.4); c.41917G>T, p.Glu13973Ter (NM_133432.3); c.42118G>T, p.Glu14040Ter (NM_133437.4); short protein forms E13848*, E13973*, E14040*, E20345*, E21272*, E22913*.
Identifiers: ClinVar variation 1809790 (VCV001809790.2), dbSNP rs2468794802, ClinGen allele CA349671272.